The following is an entry in ClinVar:

NM_016151.4(TAOK2):c.2173_2190dup (p.Gln730_Lys731insGluGlnGluLeuArgGln)

Gene: TAOK2 (TAO kinase 2; plus strand). Cytogenetic location: 16p11.2.
Variant type: Duplication.
Coding change: c.2173_2190dup on transcript NM_016151.4 (MANE Select); coding-DNA positions 2173 to 2190, 18 bases duplicated (GAGCAAGAGTTGCGGCAG).
Protein change: p.Gln730_Lys731insGluGlnGluLeuArgGln.
Molecular consequence: inframe insertion.
Genome position (GRCh38, 1-based): chr16:29,986,445-29,986,462, GAGCAAGAGTTGCGGCAG duplicated. VCF-style (leftmost placement, unchanged base first): chr16-29986444-T-TGAGCAAGAGTTGCGGCAG. GRCh37 (hg19) VCF-style: chr16-29997765-T-TGAGCAAGAGTTGCGGCAG.
Other names: c.2173_2190dup, p.Gln730_Lys731insGluGlnGluLeuArgGln (NM_001252043.2, NM_004783.4).
Identifiers: ClinVar variation 2712646 (VCV002712646.3), dbSNP rs2543660348, ClinGen allele CA2697555772.

ClinVar aggregate classification (germline): Uncertain significance (1 of 4 stars; one submission).

Submission:

Labcorp Genetics (formerly Invitae), Labcorp
Classification: Uncertain significance. Last evaluated: 2023-06-12. Review status: criteria provided, single submitter. Criteria: Invitae Variant Classification Sherloc (09022015). Collection method: clinical testing. Allele origin: germline.
Comment: This variant has not been reported in the literature in individuals affected with TAOK2-related conditions. This variant is not present in population databases (gnomAD no frequency). This variant, c.2173_2190dup, results in the insertion of 6 amino acid(s) of the TAOK2 protein (p.Glu725_Gln730dup), but otherwise preserves the integrity of the reading frame. Experimental studies and prediction algorithms are not available or were not evaluated, and the functional significance of this variant is currently unknown. In summary, the available evidence is currently insufficient to determine the role of this variant in disease. Therefore, it has been classified as a Variant of Uncertain Significance.